The following is an entry in ClinVar:

NM_003242.6(TGFBR2):c.716C>T (p.Thr239Ile)

Gene: TGFBR2 (transforming growth factor beta receptor 2; plus strand). Cytogenetic location: 3p24.1.
Variant type: single nucleotide variant.
Coding change: c.716C>T on transcript NM_003242.6 (MANE Select); coding-DNA position 716, C replaced by T.
Protein change: p.Thr239Ile; replaces threonine 239 with isoleucine.
Molecular consequence: missense variant. On other transcripts: intron variant (1).
Genome position (GRCh38, 1-based): chr3:30,671,899, C>T. VCF-style: chr3-30671899-C-T. GRCh37 (hg19) VCF-style: chr3-30713391-C-T.
Other names: c.791C>T, p.Thr264Ile (NM_001024847.3); c.899C>T, p.Thr300Ile (NM_001407126.1); c.824C>T, p.Thr275Ile (NM_001407127.1); c.743C>T, p.Thr248Ile (NM_001407128.1); c.719C>T, p.Thr240Ile (NM_001407129.1); c.716C>T, p.Thr239Ile (NM_001407130.1); c.611C>T, p.Thr204Ile (NM_001407132.1, NM_001407133.1, NM_001407134.1 and 2 more transcripts); c.431C>T, p.Thr144Ile (NM_001407137.1); and 2 more; short protein forms T119I, T144I, T204I, T239I, T240I, T248I, T264I, T275I.
Identifiers: ClinVar variation 4083166 (VCV004083166.3).

ClinVar aggregate classification (germline): Uncertain significance. Review status: criteria provided, multiple submitters, no conflicts (2 of 4 stars). 3 submissions from 3 submitters: Uncertain significance (3). Last evaluated 2025-10-06.

Conditions:
Familial thoracic aortic aneurysm and aortic dissection (TAAD). Also called: Thoracic aortic aneurysms and dissections. Identifiers: Orphanet 91387, MedGen C4707243, MONDO:0019625.

Submissions (3):

Labcorp Genetics (formerly Invitae), Labcorp
Classification: Uncertain significance for Familial thoracic aortic aneurysm and aortic dissection. Last evaluated: 2025-10-06. Review status: criteria provided, single submitter. Criteria: Invitae Variant Classification Sherloc (09022015). Collection method: clinical testing. Allele origin: germline.
Comment: This sequence change replaces threonine, which is neutral and polar, with isoleucine, which is neutral and non-polar, at codon 239 of the TGFBR2 protein (p.Thr239Ile). This variant is not present in population databases (gnomAD no frequency). This missense change has been observed in individual(s) with clinical features of TGFBR2-related conditions (internal data). ClinVar contains an entry for this variant (Variation ID: 4083166). Invitae Evidence Modeling of protein sequence and biophysical properties (such as structural, functional, and spatial information, amino acid conservation, physicochemical variation, residue mobility, and thermodynamic stability) has been performed for this missense variant. However, the output from this modeling did not meet the statistical confidence thresholds required to predict the impact of this variant on TGFBR2 protein function. In summary, the available evidence is currently insufficient to determine the role of this variant in disease. Therefore, it has been classified as a Variant of Uncertain Significance.

Color Diagnostics, LLC DBA Color Health
Classification: Uncertain significance for Familial thoracic aortic aneurysm and aortic dissection. Last evaluated: 2025-08-10. Review status: criteria provided, single submitter. Criteria: ACMG Guidelines, 2015. Collection method: clinical testing. Allele origin: germline.
Comment: This missense variant replaces threonine with isoleucine at codon 239 of the TGFBR2 protein. Computational prediction is inconclusive regarding the impact of this variant on protein structure and function. To our knowledge, functional studies have not been reported for this variant. This variant has not been reported in individuals affected with TGFBR2-related disorders in the literature. This variant has not been identified in the general population by the Genome Aggregation Database (gnomAD). The available evidence is insufficient to determine the role of this variant in disease conclusively. Therefore, this variant is classified as a Variant of Uncertain Significance.

GeneDx
Classification: Uncertain significance. Last evaluated: 2025-03-11. Review status: criteria provided, single submitter. Criteria: GeneDx Variant Classification Process June 2021. Collection method: clinical testing. Allele origin: germline. Affected: yes.
Comment: Not observed at significant frequency in large population cohorts (gnomAD); In silico analysis supports that this missense variant has a deleterious effect on protein structure/function; Has not been previously published as pathogenic or benign to our knowledge